The following is an entry in ClinVar:

NM_000512.5(GALNS):c.426T>A (p.His142Gln)

Gene: GALNS (galactosamine (N-acetyl)-6-sulfatase; minus strand). Cytogenetic location: 16q24.3.
Variant type: single nucleotide variant.
Coding change: c.426T>A on transcript NM_000512.5 (MANE Select); coding-DNA position 426, T replaced by A.
Protein change: p.His142Gln; replaces histidine 142 with glutamine.
Molecular consequence: missense variant. On other transcripts: 5 prime UTR variant (1).
Genome position (GRCh38, 1-based): chr16:88,837,762, A>T on the plus strand (T>A on the coding strand, the complement: GALNS is on the minus strand). VCF-style: chr16-88837762-A-T. GRCh37 (hg19) VCF-style: chr16-88904170-A-T.
Other names: c.-130T>A (NM_001323543.2); c.444T>A, p.His148Gln (NM_001323544.2); short protein forms H142Q, H148Q.
Identifiers: ClinVar variation 1048456 (VCV001048456.4), dbSNP rs754616917, ClinGen allele CA397083855.

ClinVar aggregate classification (germline): Conflicting classifications of pathogenicity. Review status: criteria provided, conflicting classifications (1 of 4 stars). 2 submissions from 2 submitters: Likely pathogenic (1); Uncertain significance (1). Last evaluated 2022-05-04.

Conditions:
Mucopolysaccharidosis, MPS-IV-A (MPS4A). Also called: Mucopolysaccharidosis type IV A; Mucopolysaccharidosis Type IVA; Morquio syndrome A, mild; MORQUIO SYNDROME A; MPS IVA; mucopolysaccharidosis type 4A. Identifiers: Orphanet 309297, Orphanet 582, MedGen C0086651, MONDO:0009659, OMIM 253000.

Submissions (2):

Mendelics
Classification: Likely pathogenic for Mucopolysaccharidosis, MPS-IV-A. Last evaluated: 2022-05-04. Review status: criteria provided, single submitter. Criteria: Mendelics Assertion Criteria 2019. Collection method: clinical testing. Allele origin: germline.

Laboratory of Diagnosis and Therapy of Lysosomal Disorders, University of Padova
Classification: Uncertain significance for Mucopolysaccharidosis, MPS-IV-A. Last evaluated: 2021-02-01. Review status: criteria provided, single submitter. Criteria: ACMG Guidelines, 2015. Collection method: curation. Allele origin: germline. Affected: yes.
Comment: Located in a mutational hot spot and/or critical and well-established functional domain without benign variation (PM1_moderate); very low frequency in gnomAD v2.1.1 (PM2_moderate); multiple lines of computational evidence support a deleterious effect on the gene (PP3_supporting)

Literature cited by the submitters: PubMed 25545067 (cited by Laboratory of Diagnosis and Therapy of Lysosomal Disorders, University of Padova); PubMed 34387910 (cited by Laboratory of Diagnosis and Therapy of Lysosomal Disorders, University of Padova).